The following is an entry in ClinVar:

NM_001077418.3(TMEM231):c.397C>G (p.Leu133Val)

Gene: TMEM231 (transmembrane protein 231; minus strand). Cytogenetic location: 16q23.1.
Variant type: single nucleotide variant.
Coding change: c.397C>G on transcript NM_001077418.3 (MANE Select); coding-DNA position 397, C replaced by G.
Protein change: p.Leu133Val; replaces leucine 133 with valine.
Molecular consequence: missense variant. On other transcripts: non-coding transcript variant (1).
Genome position (GRCh38, 1-based): chr16:75,545,867, G>C on the plus strand (C>G on the coding strand, the complement: TMEM231 is on the minus strand). VCF-style: chr16-75545867-G-C. GRCh37 (hg19) VCF-style: chr16-75579765-G-C.
Other names: c.556C>G, p.Leu186Val (NM_001077416.2); c.484C>G (NM_001077416.1); short protein forms L133V, L186V.
Identifiers: ClinVar variation 1394358 (VCV001394358.7), dbSNP rs866563020, ClinGen allele CA283887546.

ClinVar aggregate classification (germline): Uncertain significance. Review status: criteria provided, multiple submitters, no conflicts (2 of 4 stars). 3 submissions from 3 submitters: Uncertain significance (3). Last evaluated 2025-08-27.

Conditions:
Meckel syndrome, type 11 (MKS11). Identifiers: Orphanet 564, MedGen C3809352, MONDO:0014164, OMIM 615397.
Joubert syndrome 20 (JBTS20). Identifiers: Orphanet 475, MedGen C3554235, MONDO:0013994, OMIM 614970.
Inborn genetic diseases. Identifiers: MedGen C0950123, MeSH D030342.

Allele frequency attached by ClinVar (database versions not stated): gnomAD exomes 0.00001 and 0.00005; gnomAD 0.00015; TOPMed 0.00017.
gnomAD v4.1: 34 of 1,443,708 alleles (0.0024%); highest among the groups gnomAD compares: African/African-American, 0.042%; no homozygotes.

Submissions (3):

Ambry Genetics
Classification: Uncertain significance for Inborn genetic diseases. Last evaluated: 2025-08-27. Review status: criteria provided, single submitter. Criteria: Ambry Variant Classification Scheme 2023. Collection method: clinical testing. Allele origin: germline.

Fulgent Genetics
Classification: Uncertain significance for Joubert syndrome 20; Meckel syndrome, type 11. Last evaluated: 2024-04-19. Review status: criteria provided, single submitter. Criteria: ACMG Guidelines, 2015. Collection method: clinical testing. Allele origin: germline.

Labcorp Genetics (formerly Invitae), Labcorp
Classification: Uncertain significance for Joubert syndrome 20; Meckel syndrome, type 11. Last evaluated: 2023-11-27. Review status: criteria provided, single submitter. Criteria: Invitae Variant Classification Sherloc (09022015). Collection method: clinical testing. Allele origin: germline.
Comment: This sequence change replaces leucine, which is neutral and non-polar, with valine, which is neutral and non-polar, at codon 186 of the TMEM231 protein (p.Leu186Val). The frequency data for this variant in the population databases is considered unreliable, as metrics indicate poor data quality at this position in the gnomAD database. This variant has not been reported in the literature in individuals affected with TMEM231-related conditions. ClinVar contains an entry for this variant (Variation ID: 1394358). Algorithms developed to predict the effect of missense changes on protein structure and function output the following: SIFT: "Not Available"; PolyPhen-2: "Not Available"; Align-GVGD: "Not Available". The valine amino acid residue is found in multiple mammalian species, which suggests that this missense change does not adversely affect protein function. In summary, the available evidence is currently insufficient to determine the role of this variant in disease. Therefore, it has been classified as a Variant of Uncertain Significance.